The following is an entry in ClinVar:

NM_017866.6(TMEM70):c.69G>T (p.Leu23Phe)

Gene: TMEM70 (transmembrane protein 70; plus strand). Cytogenetic location: 8q21.11.
Variant type: single nucleotide variant.
Coding change: c.69G>T on transcript NM_017866.6 (MANE Select); coding-DNA position 69, G replaced by T.
Protein change: p.Leu23Phe; replaces leucine 23 with phenylalanine.
Molecular consequence: missense variant. On other transcripts: non-coding transcript variant (1).
Genome position (GRCh38, 1-based): chr8:73,976,350, G>T. VCF-style: chr8-73976350-G-T. GRCh37 (hg19) VCF-style: chr8-74888585-G-T.
Other names: p.Leu23Phe; c.69G>T, p.Leu23Phe (NM_001040613.3); short protein forms L23F.
Identifiers: ClinVar variation 1104245 (VCV001104245.13), dbSNP rs140061938, ClinGen allele CA4783937.

ClinVar aggregate classification (germline): Conflicting classifications of pathogenicity. Review status: criteria provided, conflicting classifications (1 of 4 stars). 3 submissions from 3 submitters: Uncertain significance (1); Likely benign (2). Last evaluated 2026-01-20.

Conditions:
Mitochondrial complex V (ATP synthase) deficiency, nuclear type 2. Also called: Nuclear-Encoded ATPase Deficiency, TMEM70-Related; ENCEPHALOCARDIOMYOPATHY, MITOCHONDRIAL, NEONATAL, DUE TO ATP SYNTHASE DEFICIENCY; MITOCHONDRIAL COMPLEX V (ATP SYNTHASE) DEFICIENCY, TMEM70 TYPE. Identifiers: Orphanet 1194, MedGen C3279699, MONDO:0013546, OMIM 614052.

Allele frequency attached by ClinVar (database versions not stated): ExAC 0.00032; ESP Exome Variant Server 0.00054; TOPMed 0.00087; gnomAD 0.00088 and 0.00092; 1000 Genomes Project 30x 0.00203; 1000 Genomes Project 0.00220.
gnomAD v4.1: 309 of 1,599,648 alleles (0.019%); highest among the groups gnomAD compares: African/African-American, 0.36%; 4 homozygotes.

Submissions (3):

Labcorp Genetics (formerly Invitae), Labcorp
Classification: Likely benign for Mitochondrial complex V (ATP synthase) deficiency, nuclear type 2. Last evaluated: 2026-01-20. Review status: criteria provided, single submitter. Criteria: Invitae Variant Classification Sherloc (09022015). Collection method: clinical testing. Allele origin: germline.

Mayo Clinic Laboratories, Mayo Clinic
Classification: Likely benign. Last evaluated: 2025-08-28. Review status: criteria provided, single submitter. Criteria: ACMG Guidelines, 2015. Collection method: clinical testing. Allele origin: germline. Observed: 1 variant allele.
Comment: BS1, BP4_moderate

GeneDx
Classification: Uncertain significance. Last evaluated: 2024-05-24. Review status: criteria provided, single submitter. Criteria: GeneDx Variant Classification Process June 2021. Collection method: clinical testing. Allele origin: germline. Affected: yes.
Comment: In silico analysis supports that this missense variant does not alter protein structure/function; Has not been previously published as pathogenic or benign to our knowledge